The following is an entry in ClinVar:

ClinVar aggregate classification (germline): Uncertain significance (1 of 4 stars; one submission).

Conditions:
Cowden syndrome (CS). Also called: Cowden's disease; Cowden's syndrome; Cowden disease. Identifiers: Orphanet 201, MedGen C0018553, MONDO:0016063. Disease mechanism: gain of function.

Allele frequency attached by ClinVar (database versions not stated): ExAC 0.00001.

Submission:

Labcorp Genetics (formerly Invitae), Labcorp
Classification: Uncertain significance for Cowden syndrome. Last evaluated: 2022-04-20. Review status: criteria provided, single submitter. Criteria: Invitae Variant Classification Sherloc (09022015). Collection method: clinical testing. Allele origin: germline.
Comment: Algorithms developed to predict the effect of missense changes on protein structure and function are either unavailable or do not agree on the potential impact of this missense change (SIFT: "Deleterious"; PolyPhen-2: "Probably Damaging"; Align-GVGD: "Class C0"). In summary, the available evidence is currently insufficient to determine the role of this variant in disease. Therefore, it has been classified as a Variant of Uncertain Significance. This variant has not been reported in the literature in individuals affected with PIK3CA-related conditions. This variant is present in population databases (rs745884068, gnomAD 0.0009%). This sequence change replaces aspartic acid, which is acidic and polar, with glutamic acid, which is acidic and polar, at codon 608 of the PIK3CA protein (p.Asp608Glu).

NM_006218.4(PIK3CA):c.1824T>A (p.Asp608Glu)

Gene: PIK3CA (phosphatidylinositol-4,5-bisphosphate 3-kinase catalytic subunit alpha; plus strand). Cytogenetic location: 3q26.32.
Variant type: single nucleotide variant.
Coding change: c.1824T>A on transcript NM_006218.4 (MANE Select); coding-DNA position 1824, T replaced by A.
Protein change: p.Asp608Glu; replaces aspartic acid 608 with glutamic acid.
Molecular consequence: missense variant.
Genome position (GRCh38, 1-based): chr3:179,219,648, T>A. VCF-style: chr3-179219648-T-A. GRCh37 (hg19) VCF-style: chr3-178937436-T-A.
Other names: short protein forms D608E.
Identifiers: ClinVar variation 2084950 (VCV002084950.4), dbSNP rs745884068, ClinGen allele CA2710811.